The following is an entry in ClinVar:

ClinVar aggregate classification (germline): Uncertain significance (1 of 4 stars; one submission).

Allele frequency attached by ClinVar (database versions not stated): gnomAD 0.00001; gnomAD exomes 0.00001 and 0.00003; TOPMed 0.00001; ExAC 0.00002.
gnomAD v4.1: 19 of 1,613,820 alleles (0.0012%); highest among the groups gnomAD compares: Admixed American, 0.0083%; no homozygotes.

Submission:

Labcorp Genetics (formerly Invitae), Labcorp
Classification: Uncertain significance. Last evaluated: 2022-09-19. Review status: criteria provided, single submitter. Criteria: Invitae Variant Classification Sherloc (09022015). Collection method: clinical testing. Allele origin: germline.
Comment: This sequence change replaces glycine, which is neutral and non-polar, with valine, which is neutral and non-polar, at codon 542 of the FRAS1 protein (p.Gly542Val). The frequency data for this variant in the population databases is considered unreliable, as metrics indicate poor data quality at this position in the gnomAD database. This variant has not been reported in the literature in individuals affected with FRAS1-related conditions. ClinVar contains an entry for this variant (Variation ID: 1365341). Algorithms developed to predict the effect of missense changes on protein structure and function (SIFT, PolyPhen-2, Align-GVGD) all suggest that this variant is likely to be tolerated. In summary, the available evidence is currently insufficient to determine the role of this variant in disease. Therefore, it has been classified as a Variant of Uncertain Significance.

NM_025074.7(FRAS1):c.1625G>T (p.Gly542Val)

Gene: FRAS1 (Fraser extracellular matrix complex subunit 1; plus strand). Cytogenetic location: 4q21.21.
Variant type: single nucleotide variant.
Coding change: c.1625G>T on transcript NM_025074.7 (MANE Select); coding-DNA position 1625, G replaced by T.
Protein change: p.Gly542Val; replaces glycine 542 with valine.
Molecular consequence: missense variant.
Genome position (GRCh38, 1-based): chr4:78,308,156, G>T. VCF-style: chr4-78308156-G-T. GRCh37 (hg19) VCF-style: chr4-79229310-G-T.
Other names: c.1625G>T, p.Gly542Val (NM_001166133.2); short protein forms G542V.
Identifiers: ClinVar variation 1365341 (VCV001365341.3), dbSNP rs769491203, ClinGen allele CA2976373.